The following is an entry in ClinVar:

ClinVar aggregate classification (germline): Benign/Likely benign. Review status: criteria provided, multiple submitters, no conflicts (2 of 4 stars). 13 submissions from 13 submitters: Benign (6); Likely benign (5). 2 of the submissions do not count toward it. Last evaluated 2026-07-01.

Conditions:
Autosomal dominant cerebellar ataxia. Also called: Spinocerebellar Ataxia, Dominant. Identifiers: Orphanet 99, MedGen C4087347, MONDO:0020380.
Multiple sclerosis. Identifiers: MedGen C0026769, MONDO:0005301.
ITPR1-related disorder. Also called: ITPR1-related condition.

Allele frequency attached by ClinVar (database versions not stated): gnomAD 0.00213; TOPMed 0.00215; 1000 Genomes Project 30x 0.00219; ExAC 0.00277; gnomAD exomes 0.00277 and 0.00328; ESP Exome Variant Server 0.00199; 1000 Genomes Project 0.00200.
gnomAD v4.1: 5,163 of 1,613,754 alleles (0.32%); highest among the groups gnomAD compares: South Asian, 0.77%; 21 homozygotes.

Submissions (13):

CeGaT Center for Human Genetics Tuebingen
Classification: Likely benign. Last evaluated: 2026-07-01. Review status: criteria provided, single submitter. Criteria: CeGaT Center For Human Genetics Tuebingen Variant Classification Criteria Version 2. Collection method: clinical testing. Allele origin: germline. Affected: yes. Observed: 16 variant alleles.
Comment: ITPR1: BS2

Labcorp Genetics (formerly Invitae), Labcorp
Classification: Benign. Last evaluated: 2026-01-28. Review status: criteria provided, single submitter. Criteria: Invitae Variant Classification Sherloc (09022015). Collection method: clinical testing. Allele origin: germline.

Dasa
Classification: Benign. Last evaluated: 2025-09-22. Review status: criteria provided, single submitter. Criteria: DASA Assertion Criteria. Collection method: clinical testing. Allele origin: germline.
Comment: NM_001378452.1(ITPR1):c.5621T>G (p.Val1874Gly) is interpreted as benign based on a combination of available evidence, which may include population frequency, observations in unaffected individuals, intact protein function, lack of segregation with disease, in silico models, amino acid conservation, lack of disease association in case-control studies, and/or inconsistency with the known disease mechanism or impacted region. Based on the available data, this variant is classified as benign.

Mayo Clinic Laboratories, Mayo Clinic
Classification: Benign. Last evaluated: 2025-03-18. Review status: criteria provided, single submitter. Criteria: ACMG Guidelines, 2015. Collection method: clinical testing. Allele origin: germline. Observed: 1 variant allele.
Comment: BS1, BS2

Blueprint Genetics
Classification: Likely benign. Last evaluated: 2024-10-29. Review status: criteria provided, single submitter. Criteria: ACMG Guidelines, 2015. Collection method: clinical testing. Allele origin: germline.

Athena Diagnostics
Classification: Benign. Last evaluated: 2024-02-07. Review status: criteria provided, single submitter. Criteria: Athena Diagnostics Criteria. Collection method: clinical testing. Allele origin: unknown.

GeneDx
Classification: Benign. Last evaluated: 2019-05-06. Review status: criteria provided, single submitter. Criteria: GeneDx Variant Classification Process June 2021. Collection method: clinical testing. Allele origin: germline. Affected: yes.

Illumina Laboratory Services, Illumina
Classification: Benign for Spinocerebellar Ataxia, Dominant. Last evaluated: 2018-01-12. Review status: criteria provided, single submitter. Criteria: ICSL Variant Classification Criteria 13 December 2019. Collection method: clinical testing. Allele origin: germline.
Comment: This variant was observed in the ICSL laboratory as part of a predisposition screen in an ostensibly healthy population. It had not been previously curated by ICSL or reported in the Human Gene Mutation Database (HGMD: prior to June 1st, 2018), and was therefore a candidate for classification through an automated scoring system. Utilizing variant allele frequency, disease prevalence and penetrance estimates, and inheritance mode, an automated score was calculated to assess if this variant is too frequent to cause the disease. Based on the score and internal cut-off values, a variant classified as benign is not then subjected to further curation. The score for this variant resulted in a classification of benign for this disease.

Center for Pediatric Genomic Medicine, Children's Mercy Hospital and Clinics
Classification: Likely benign. Last evaluated: 2017-03-08. Review status: criteria provided, single submitter. Criteria: ACMG Guidelines, 2015. Collection method: clinical testing. Allele origin: germline.

Eurofins Ntd Llc (ga)
Classification: Likely benign. Last evaluated: 2016-07-21. Review status: criteria provided, single submitter. Criteria: EGL Classification Definitions 2015. Collection method: clinical testing. Allele origin: germline. Observed: 1 variant allele, 1 heterozygote.

Breakthrough Genomics
Classification: Likely benign. Review status: criteria provided, single submitter. Criteria: ACMG Guidelines, 2015. Collection method: not provided. Allele origin: germline. Inheritance: Autosomal dominant inheritance. Affected: yes.

Department of Molecular Biology and Genetics, Acibadem University
Classification: Likely pathogenic for Multiple sclerosis. Last evaluated: 2024-06-10. Review status: no assertion criteria provided. Collection method: research. Allele origin: germline. Affected: yes. Not counted in ClinVar's aggregate classification.

PreventionGenetics, part of Exact Sciences
Classification: Benign for ITPR1-related condition. Last evaluated: 2019-05-10. Review status: no assertion criteria provided. Collection method: clinical testing. Allele origin: germline. Not counted in ClinVar's aggregate classification.
Comment: This variant is classified as benign based on ACMG/AMP sequence variant interpretation guidelines (Richards et al. 2015 PMID: 25741868, with internal and published modifications).

Literature cited by the submitters: PubMed 27001614 (cited by Athena Diagnostics); PubMed 28008999 (cited by Athena Diagnostics).

NM_001378452.1(ITPR1):c.5621T>G (p.Val1874Gly)

Gene: ITPR1 (inositol 1,4,5-trisphosphate receptor type 1; plus strand). Cytogenetic location: 3p26.1.
Variant type: single nucleotide variant.
Coding change: c.5621T>G on transcript NM_001378452.1 (MANE Select); coding-DNA position 5621, T replaced by G.
Protein change: p.Val1874Gly; replaces valine 1874 with glycine.
Molecular consequence: missense variant.
Genome position (GRCh38, 1-based): chr3:4,766,606, T>G. VCF-style: chr3-4766606-T-G. GRCh37 (hg19) VCF-style: chr3-4808290-T-G.
Other names: p.Val1811Gly; c.5477T>G, p.Val1826Gly (NM_001099952.4); c.5576T>G, p.Val1859Gly (NM_001168272.2); c.5432T>G, p.Val1811Gly (NM_002222.7); c.5432T>G (NM_002222.6); short protein forms V1859G, V1811G, V1826G, V1874G.
Identifiers: ClinVar variation 289396 (VCV000289396.67), dbSNP rs143093165, ClinGen allele CA2232375.